The following is an entry in ClinVar:

ClinVar aggregate classification (germline): Pathogenic (1 of 4 stars; one submission).

Conditions:
POLG-related disorder. Also called: POLG-Related Spectrum Disorders; POLG-related condition; POLG-Related Disorders. Identifiers: MedGen C4763519.

Submission:

Myriad Genetics, Inc.
Classification: Pathogenic for POLG-related disorder. Last evaluated: 2026-06-23. Review status: criteria provided, single submitter. Criteria: Myriad Autosomal Dominant, Autosomal Recessive and X-Linked Classification Criteria (2023). Collection method: clinical testing. Allele origin: unknown.
Comment: NM_002693.2(POLG):c.1871_1878del8(V624Afs*57) is expected to be pathogenic in the context of POLG-related disorders. This variant is predicted to lead to an abnormal or absent protein product due to the creation of a premature termination codon in POLG, a gene where loss-of-function variants are known to be pathogenic. Please note: this variant was assessed in the context of healthy population screening.

NM_002693.3(POLG):c.1871_1878del (p.Val624fs)

Gene: POLG (DNA polymerase gamma, catalytic subunit; minus strand). Cytogenetic location: 15q26.1.
Variant type: Deletion.
Coding change: c.1871_1878del on transcript NM_002693.3 (MANE Select); coding-DNA positions 1871 to 1878, 8 bases deleted (TGCCTGGG; older notation c.1871_1878delTGCCTGGG).
Protein change: p.Val624fs; shifts the reading frame from valine 624.
Molecular consequence: frameshift variant.
Genome position (GRCh38, 1-based): chr15:89,325,521-89,325,528, CCCAGGCA deleted on the plus strand (TGCCTGGG on the coding strand, the reverse complement: POLG is on the minus strand); deleting any 8 consecutive bases within chr15:89,325,521-89,325,530 gives the same sequence; the c. name uses the placement nearest the transcript's 3' end. VCF-style (leftmost placement, unchanged base first): chr15-89325520-GCCCAGGCA-G. GRCh37 (hg19) VCF-style: chr15-89868751-GCCCAGGCA-G.
Other names: c.1871_1878del, p.Val624fs (NM_001126131.2); short protein forms V624fs.
Identifiers: ClinVar variation 5016069 (VCV005016069.1).
Genomic context (GRCh38, chr15:89,325,520, plus strand): 5'-AGACCACCCCAGCTGACTCCAGGGTGGTACCTGTCGGCAGCTTGGCCAGGTTGTCCCGCC[GCCCAGGCA>G]CCAAGTAGCCCCAGCCATGACGCTCTGAGTAGTGCAGAGGGAAGCCATCCCAGGTAAGTG-3'